The following is an entry in ClinVar:

NM_033026.6(PCLO):c.6487A>G (p.Ile2163Val)

Gene: PCLO (piccolo presynaptic cytomatrix protein; minus strand). Cytogenetic location: 7q21.11.
Variant type: single nucleotide variant.
Coding change: c.6487A>G on transcript NM_033026.6 (MANE Select); coding-DNA position 6487, A replaced by G.
Protein change: p.Ile2163Val; replaces isoleucine 2163 with valine.
Molecular consequence: missense variant.
Genome position (GRCh38, 1-based): chr7:82,954,466, T>C on the plus strand (A>G on the coding strand, the complement: PCLO is on the minus strand). VCF-style: chr7-82954466-T-C. GRCh37 (hg19) VCF-style: chr7-82583782-T-C.
Other names: c.6487A>G, p.Ile2163Val (NM_014510.3); short protein forms I2163V.
Identifiers: ClinVar variation 1441936 (VCV001441936.8), dbSNP rs570812444, ClinGen allele CA4320460.
Genomic context (GRCh38, chr7:82,954,466, plus strand): 5'-AAGGTGTGTCAGAGGGTGGGACAGATGTAGCACTTTCTGAAGGCTCCGAGTAGGTCAAAA[T>C]CAGCGATTCATGGGCAATTATCTCTTGAATTTCTCTTGTATAATCGGTTACATATTCATC-3'
Protein context (NP_149015.2, residues 2153-2173): IQEIIAHESL[Ile2163Val]LTYSEPSESA

ClinVar aggregate classification (germline): Uncertain significance (1 of 4 stars; one submission).

gnomAD v4.1: 16 of 1,613,976 alleles (0.00099%); highest among the groups gnomAD compares: East Asian, 0.033%; no homozygotes.

Submission:

Labcorp Genetics (formerly Invitae), Labcorp
Classification: Uncertain significance. Last evaluated: 2023-10-13. Review status: criteria provided, single submitter. Criteria: Invitae Variant Classification Sherloc (09022015). Collection method: clinical testing. Allele origin: germline.
Comment: This sequence change replaces isoleucine, which is neutral and non-polar, with valine, which is neutral and non-polar, at codon 2163 of the PCLO protein (p.Ile2163Val). This variant is present in population databases (rs570812444, gnomAD 0.07%). This variant has not been reported in the literature in individuals affected with PCLO-related conditions. ClinVar contains an entry for this variant (Variation ID: 1441936). Experimental studies and prediction algorithms are not available or were not evaluated, and the functional significance of this variant is currently unknown. In summary, the available evidence is currently insufficient to determine the role of this variant in disease. Therefore, it has been classified as a Variant of Uncertain Significance.